The following is an entry in ClinVar:

NM_145064.3(STAC3):c.621G>A (p.Met207Ile)

Gene: STAC3 (SH3 and cysteine rich domain 3; minus strand). Cytogenetic location: 12q13.3.
Variant type: single nucleotide variant.
Coding change: c.621G>A on transcript NM_145064.3 (MANE Select); coding-DNA position 621, G replaced by A.
Protein change: p.Met207Ile; replaces methionine 207 with isoleucine.
Molecular consequence: missense variant.
Genome position (GRCh38, 1-based): chr12:57,245,194, C>T on the plus strand (G>A on the coding strand, the complement: STAC3 is on the minus strand). VCF-style: chr12-57245194-C-T. GRCh37 (hg19) VCF-style: chr12-57638977-C-T.
Other names: c.504G>A, p.Met168Ile (NM_001286256.2); c.63G>A, p.Met21Ile (NM_001286257.2); short protein forms M168I, M207I, M21I.
Identifiers: ClinVar variation 5008376 (VCV005008376.1).

ClinVar aggregate classification (germline): Uncertain significance (1 of 4 stars; one submission).

gnomAD v4.1: 15 of 1,614,008 alleles (0.00093%); highest among the groups gnomAD compares: South Asian, 0.015%; no homozygotes.

Submission:

GeneDx
Classification: Uncertain significance. Last evaluated: 2026-03-09. Review status: criteria provided, single submitter. Criteria: GeneDx Variant Classification Process June 2021. Collection method: clinical testing. Allele origin: germline.
Comment: Not observed at significant frequency in large population cohorts (gnomAD); In silico analysis suggests that this missense variant does not alter protein structure/function; Has not been previously published as pathogenic or benign to our knowledge